The following is an entry in ClinVar:

NM_020937.4(FANCM):c.1933G>C (p.Gly645Arg)

Gene: FANCM (FA complementation group M; plus strand). Cytogenetic location: 14q21.2.
Variant type: single nucleotide variant.
Coding change: c.1933G>C on transcript NM_020937.4 (MANE Select); coding-DNA position 1933, G replaced by C.
Protein change: p.Gly645Arg; replaces glycine 645 with arginine.
Molecular consequence: missense variant.
Genome position (GRCh38, 1-based): chr14:45,167,094, G>C. VCF-style: chr14-45167094-G-C. GRCh37 (hg19) VCF-style: chr14-45636297-G-C.
Other names: c.1855G>C, p.Gly619Arg (NM_001308133.2); c.1933G>C, p.Gly645Arg (NM_001308134.2); short protein forms G619R, G645R.
Identifiers: ClinVar variation 2718576 (VCV002718576.3), dbSNP rs1277721813, ClinGen allele CA389595092.

ClinVar aggregate classification (germline): Uncertain significance (1 of 4 stars; one submission).

Conditions:
Fanconi anemia (FA). Also called: Fanconi's anemia. Identifiers: Orphanet 84, MedGen C0015625, MeSH D005199, MONDO:0019391.

gnomAD v4.1: 9 of 1,613,188 alleles (0.00056%); highest among the groups gnomAD compares: Non-Finnish European, 0.00076%; no homozygotes.

Submission:

Labcorp Genetics (formerly Invitae), Labcorp
Classification: Uncertain significance for Fanconi anemia. Last evaluated: 2024-02-26. Review status: criteria provided, single submitter. Criteria: Invitae Variant Classification Sherloc (09022015). Collection method: clinical testing. Allele origin: germline.
Comment: This sequence change replaces glycine, which is neutral and non-polar, with arginine, which is basic and polar, at codon 645 of the FANCM protein (p.Gly645Arg). This variant is not present in population databases (gnomAD no frequency). This variant has not been reported in the literature in individuals affected with FANCM-related conditions. An algorithm developed to predict the effect of missense changes on protein structure and function (PolyPhen-2) suggests that this variant is likely to be tolerated. In summary, the available evidence is currently insufficient to determine the role of this variant in disease. Therefore, it has been classified as a Variant of Uncertain Significance.